The following is an entry in ClinVar:

NC_000019.9:g.(?_12757434)_(12758432_?)del

Gene: MAN2B1 (mannosidase alpha class 2B member 1; minus strand). Cytogenetic location: 19p13.2.
Variant type: Deletion.
Identifiers: ClinVar variation 3248397 (VCV003248397.1).

ClinVar aggregate classification (germline): Pathogenic (1 of 4 stars; one submission).

Conditions:
Deficiency of alpha-mannosidase (MANSA). Also called: LYSOSOMAL ALPHA-D-MANNOSIDASE DEFICIENCY; Alpha-Mannosidosis; Mannosidosis, alpha-, types I and II. Identifiers: Orphanet 61, MedGen C0024748, MONDO:0009561, OMIM 248500.

Submission:

Labcorp Genetics (formerly Invitae), Labcorp
Classification: Pathogenic for Deficiency of alpha-mannosidase. Last evaluated: 2023-09-22. Review status: criteria provided, single submitter. Criteria: Invitae Variant Classification Sherloc (09022015). Collection method: clinical testing. Allele origin: unknown.
Comment: This variant is a gross deletion of the genomic region encompassing exon(s) 22-24 of the MAN2B1 gene, which includes the termination codon. This deletion extends beyond the assayed region for this gene and therefore may encompass additional genes. While this deletion is not anticipated to lead to nonsense mediated decay, it is expected to alter mRNA translation or result in a truncated protein product. This variant has not been reported in the literature in individuals affected with MAN2B1-related conditions. This variant disrupts a region of the MAN2B1 protein in which other variant(s) (p.Arg916His) have been determined to be pathogenic (PMID: 16919251, 21505070, 22161967). This suggests that this is a clinically significant region of the protein, and that variants that disrupt it are likely to be disease-causing. For these reasons, this variant has been classified as Pathogenic.

Literature cited by the submitters: PubMed 16919251; PubMed 21505070; PubMed 22161967.